The following is an entry in ClinVar:

ClinVar aggregate classification (germline): Likely benign. Review status: criteria provided, multiple submitters, no conflicts (2 of 4 stars). 4 submissions from 4 submitters: Likely benign (4). Last evaluated 2024-05-13.

Conditions:
Hereditary breast ovarian cancer syndrome. Also called: Hereditary breast and ovarian cancer syndrome (HBOC); Hereditary breast and ovarian cancer syndrome; Breast and ovarian cancer; Hereditary breast and/or ovarian cancer syndrome; BRCA1- and BRCA2-Associated Hereditary Breast and Ovarian Cancer; Hereditary breast and ovarian cancer. Identifiers: Orphanet 145, MedGen C0677776, MeSH D061325, MONDO:0003582. Disease mechanism: loss of function.
Hereditary cancer-predisposing syndrome. Also called: Hereditary Cancer Syndrome; Neoplastic Syndromes, Hereditary; Hereditary neoplastic syndrome; Tumor predisposition. Identifiers: Orphanet 140162, MedGen C0027672, MeSH D009386, MONDO:0015356.
Breast-ovarian cancer, familial, susceptibility to, 2 (BROVCA2). Also called: BRCA2 Hereditary Breast and Ovarian Cancer. Identifiers: Orphanet 145, MedGen C2675520, MONDO:0012933, OMIM 612555. Disease mechanism: loss of function.

Allele frequency attached by ClinVar (database versions not stated): gnomAD exomes below 0.00001.
gnomAD v4.1: 1 of 1,610,718 alleles (0.000062%); highest among the groups gnomAD compares: South Asian, 0.0011%; no homozygotes.

Submissions (4):

Women's Health and Genetics/Laboratory Corporation of America, LabCorp
Classification: Likely benign. Last evaluated: 2024-05-13. Review status: criteria provided, single submitter. Criteria: LabCorp Variant Classification Summary - May 2015. Collection method: clinical testing. Allele origin: germline.

All of Us Research Program, National Institutes of Health
Classification: Likely benign for Breast-ovarian cancer, familial, susceptibility to, 2. Last evaluated: 2023-06-08. Review status: criteria provided, single submitter. Criteria: ACMG Guidelines, 2015. Collection method: clinical testing. Allele origin: germline. Inheritance: Autosomal dominant inheritance. Observed: 1 variant allele, 1 heterozygote.
Comment: This study involves interpretation of variants in research participants for the purpose of population health screening. Participant phenotype was not available at the time of variant classification. Additional details can be found in publication PMID: 35346344, PMCID: PMC8962531

Labcorp Genetics (formerly Invitae), Labcorp
Classification: Likely benign for Hereditary breast ovarian cancer syndrome. Last evaluated: 2022-11-01. Review status: criteria provided, single submitter. Criteria: Invitae Variant Classification Sherloc (09022015). Collection method: clinical testing. Allele origin: germline.

Ambry Genetics
Classification: Likely benign for Hereditary cancer-predisposing syndrome. Last evaluated: 2018-04-18. Review status: criteria provided, single submitter. Criteria: Ambry Variant Classification Scheme 2023. Collection method: clinical testing. Allele origin: germline.

NM_000059.4(BRCA2):c.2517C>T (p.Tyr839=)

Gene: BRCA2 (BRCA2 DNA repair associated; plus strand). Cytogenetic location: 13q13.1.
Variant type: single nucleotide variant.
Coding change: c.2517C>T on transcript NM_000059.4 (MANE Select); coding-DNA position 2517, C replaced by T.
Protein change: p.Tyr839=; no amino-acid change (tyrosine 839 retained).
Molecular consequence: synonymous variant.
Genome position (GRCh38, 1-based): chr13:32,336,872, C>T. VCF-style: chr13-32336872-C-T. GRCh37 (hg19) VCF-style: chr13-32911009-C-T.
Identifiers: ClinVar variation 821425 (VCV000821425.15), dbSNP rs80358516, ClinGen allele CA483437257.